The following is an entry in ClinVar:

NM_016239.4(MYO15A):c.8652G>A (p.Ala2884=)

Gene: MYO15A (myosin XVA; plus strand). Cytogenetic location: 17p11.2.
Variant type: single nucleotide variant.
Coding change: c.8652G>A on transcript NM_016239.4 (MANE Select); coding-DNA position 8652, G replaced by A.
Protein change: p.Ala2884=; no amino-acid change (alanine 2884 retained).
Molecular consequence: synonymous variant.
Genome position (GRCh38, 1-based): chr17:18,157,004, G>A. VCF-style: chr17-18157004-G-A. GRCh37 (hg19) VCF-style: chr17-18060318-G-A.
Identifiers: ClinVar variation 45770 (VCV000045770.46), dbSNP rs373922407, ClinGen allele CA137025.

ClinVar aggregate classification (germline): Likely benign. Review status: criteria provided, multiple submitters, no conflicts (2 of 4 stars). 6 submissions from 6 submitters: Likely benign (6). Last evaluated 2026-01-25.

Allele frequency attached by ClinVar (database versions not stated): ExAC 0.00018; TOPMed 0.00018; gnomAD exomes 0.00020 and 0.00026; gnomAD 0.00021 and 0.00023; ESP Exome Variant Server 0.00023.
gnomAD v4.1: 417 of 1,614,064 alleles (0.026%); highest among the groups gnomAD compares: Non-Finnish European, 0.032%; no homozygotes.

Submissions (6):

Labcorp Genetics (formerly Invitae), Labcorp
Classification: Likely benign. Last evaluated: 2026-01-25. Review status: criteria provided, single submitter. Criteria: Invitae Variant Classification Sherloc (09022015). Collection method: clinical testing. Allele origin: germline.

Blueprint Genetics
Classification: Likely benign. Last evaluated: 2024-10-31. Review status: criteria provided, single submitter. Criteria: ACMG Guidelines, 2015. Collection method: clinical testing. Allele origin: germline.

CeGaT Center for Human Genetics Tuebingen
Classification: Likely benign. Last evaluated: 2022-08-01. Review status: criteria provided, single submitter. Criteria: CeGaT Center For Human Genetics Tuebingen Variant Classification Criteria Version 2. Collection method: clinical testing. Allele origin: germline. Affected: yes. Observed: 1 variant allele.
Comment: MYO15A: BP4, BP7

GeneDx
Classification: Likely benign. Last evaluated: 2020-04-07. Review status: criteria provided, single submitter. Criteria: GeneDx Variant Classification Process June 2021. Collection method: clinical testing. Allele origin: germline. Affected: yes.

Laboratory for Molecular Medicine, Mass General Brigham Personalized Medicine
Classification: Likely benign. Last evaluated: 2012-04-30. Review status: criteria provided, single submitter. Criteria: LMM Criteria. Collection method: clinical testing. Allele origin: germline. Observed: 1 variant allele.
Comment: Ala2884Ala in Exon 49 of MYO15A: This variant is not expected to have clinical s ignificance because it does not alter an amino acid residue, is not located with in the splice consensus sequence, and has been identified in 2/6900 European Ame rican chromosomes from a broad population by the NHLBI Exome Sequencing Project.

PreventionGenetics, part of Exact Sciences
Classification: Likely benign. Review status: criteria provided, single submitter. Criteria: ACMG Guidelines, 2015. Collection method: clinical testing. Allele origin: germline.